The following is an entry in ClinVar:

NM_016327.3(UPB1):c.193C>T (p.Gln65Ter)

Gene: UPB1 (beta-ureidopropionase 1; plus strand). Cytogenetic location: 22q11.23.
Variant type: single nucleotide variant.
Coding change: c.193C>T on transcript NM_016327.3 (MANE Select); coding-DNA position 193, C replaced by T.
Protein change: p.Gln65Ter; replaces glutamine 65 with a stop codon.
Molecular consequence: nonsense.
Genome position (GRCh38, 1-based): chr22:24,500,195, C>T. VCF-style: chr22-24500195-C-T. GRCh37 (hg19) VCF-style: chr22-24896163-C-T.
Other names: short protein forms Q65*.
Identifiers: ClinVar variation 1939581 (VCV001939581.5), dbSNP rs756272200, ClinGen allele CA10153036.
Genomic context (GRCh38, chr22:24,500,195, plus strand): 5'-GAAGCTGCCTCCAGAGAAGACTTTGAACTGCAGGGATATGCCTTTGAAGCAGCGGAGGAG[C>T]AGCTGAGACGACCCCGCATTGTGCACGTGGGGCTGGTTCAGAACAGAATCCCCCTCCCCG-3'

ClinVar aggregate classification (germline): Pathogenic (1 of 4 stars; one submission).

Allele frequency attached by ClinVar (database versions not stated): ExAC 0.00001; TOPMed 0.00001.

Submission:

Labcorp Genetics (formerly Invitae), Labcorp
Classification: Pathogenic. Last evaluated: 2024-12-02. Review status: criteria provided, single submitter. Criteria: Invitae Variant Classification Sherloc (09022015). Collection method: clinical testing. Allele origin: germline.
Comment: This sequence change creates a premature translational stop signal (p.Gln65*) in the UPB1 gene. It is expected to result in an absent or disrupted protein product. Loss-of-function variants in UPB1 are known to be pathogenic (PMID: 15385443, 22525402). This variant is not present in population databases (gnomAD no frequency). This variant has not been reported in the literature in individuals affected with UPB1-related conditions. ClinVar contains an entry for this variant (Variation ID: 1939581). For these reasons, this variant has been classified as Pathogenic.

Literature cited by the submitters: PubMed 15385443; PubMed 22525402.